The following is an entry in ClinVar:

NM_006172.4(NPPA):c.447C>G (p.Phe149Leu)

Genes: NPPA (natriuretic peptide A; minus strand), NPPA-AS1 (NPPA antisense RNA 1; plus strand), LOC114827827 (VISTA enhancer hs2123; plus strand). Cytogenetic location: 1p36.22.
Variant type: single nucleotide variant.
Coding change: c.447C>G on transcript NM_006172.4 (MANE Select); coding-DNA position 447, C replaced by G.
Protein change: p.Phe149Leu; replaces phenylalanine 149 with leucine.
Molecular consequence: missense variant.
Genome position (GRCh38, 1-based): chr1:11,847,116, G>C on the plus strand (C>G on the coding strand, the complement: NPPA is on the minus strand). VCF-style: chr1-11847116-G-C. GRCh37 (hg19) VCF-style: chr1-11907173-G-C.
Other names: short protein forms F149L.
Identifiers: ClinVar variation 2992757 (VCV002992757.3), dbSNP rs1645074117, ClinGen allele CA338448638.
Genomic context (GRCh38, chr1:11,847,116, plus strand): 5'-GAAGGTGTCTCCCAGTAGTGTCCATCCCATCCCATTTCCATCCCCAGTTCCTCTTACCCG[G>C]AAGCTGTTACAGCCCAGTCCGCTCTGGGCTCCAATCCTGTCCATCCTGCCCCCGAAGCAG-3'
Protein context (NP_006163.1, residues 139-151): GAQSGLGCNS[Phe149Leu]RY

ClinVar aggregate classification (germline): Uncertain significance (1 of 4 stars; one submission).

Conditions:
Atrial fibrillation, familial, 6 (ATFB6). Identifiers: MedGen C2677294, MONDO:0012816, OMIM 612201.

Allele frequency attached by ClinVar (database versions not stated): TOPMed below 0.00001.

Submission:

Labcorp Genetics (formerly Invitae), Labcorp
Classification: Uncertain significance for Atrial fibrillation, familial, 6. Last evaluated: 2023-02-28. Review status: criteria provided, single submitter. Criteria: Invitae Variant Classification Sherloc (09022015). Collection method: clinical testing. Allele origin: germline.
Comment: In summary, the available evidence is currently insufficient to determine the role of this variant in disease. Therefore, it has been classified as a Variant of Uncertain Significance. An algorithm developed to predict the effect of missense changes on protein structure and function (PolyPhen-2) suggests that this variant is likely to be disruptive. This variant has not been reported in the literature in individuals affected with NPPA-related conditions. This variant is not present in population databases (gnomAD no frequency). This sequence change replaces phenylalanine, which is neutral and non-polar, with leucine, which is neutral and non-polar, at codon 149 of the NPPA protein (p.Phe149Leu).